The following is an entry in ClinVar:

NM_000441.2(SLC26A4):c.1022dup (p.Pro342fs)

Gene: SLC26A4 (solute carrier family 26 member 4; plus strand). Cytogenetic location: 7q22.3.
Variant type: Duplication.
Coding change: c.1022dup on transcript NM_000441.2 (MANE Select); coding-DNA position 1022, one base duplicated (C; older notation c.1022dupC).
Protein change: p.Pro342fs; shifts the reading frame from proline 342.
Molecular consequence: frameshift variant.
Genome position (GRCh38, 1-based): chr7:107,689,073, C duplicated; the last of 2 consecutive C bases (chr7:107,689,072-107,689,073); duplicating either gives the same sequence. VCF-style (leftmost placement, unchanged base first): chr7-107689071-T-TC. GRCh37 (hg19) VCF-style: chr7-107329516-T-TC.
Other names: c.1022dup (NM_000441.1); short protein forms P342fs.
Identifiers: ClinVar variation 2678911 (VCV002678911.2), dbSNP rs2535317617, ClinGen allele CA2695198369.
Genomic context (GRCh38, chr7:107,689,071, plus strand): 5'-TGGTCAAATCTTCACAGCATTTTTCACTTAAAAACTCACTAGGTTTTTGCCTCCTGAACT[T>TC]CCACCTGTGAGCTTGTTCTCGGAGATGCTGGCTGCATCATTTTCCATCGCTGTGGTGGCT-3'

ClinVar aggregate classification (germline): Pathogenic. Review status: criteria provided, multiple submitters, no conflicts (2 of 4 stars). 2 submissions from 2 submitters: Pathogenic (2). Last evaluated 2024-05-30.

Conditions:
Autosomal recessive nonsyndromic hearing loss 4 (DFNB4). Also called: FOXI1-Related Pendred Syndrome; KCNJ10-Related Pendred Syndrome; NEUROSENSORY NONSYNDROMIC RECESSIVE DEAFNESS 4; Deafness, autosomal recessive 4; Nonsyndromic enlarged vestibular aqueduct (NSEVA); DEAFNESS, AUTOSOMAL RECESSIVE 4, WITH ENLARGED VESTIBULAR AQUEDUCT, DIGENIC. Identifiers: Orphanet 90636, MedGen C3538946, MONDO:0010933, OMIM 600791.
Pendred syndrome (PDS). Also called: THYROID DYSHORMONOGENESIS 2B; THYROID HORMONOGENESIS, GENETIC DEFECT IN, 2B; Pendred Syndrome (PDS); DEAFNESS WITH GOITER; GOITER-DEAFNESS SYNDROME; HYPOTHYROIDISM, CONGENITAL, DUE TO DYSHORMONOGENESIS, 2B. Identifiers: Orphanet 705, MedGen C0271829, MONDO:0010134, OMIM 274600.

Submissions (2):

Natera, Inc.
Classification: Pathogenic for Pendred syndrome. Last evaluated: 2024-05-30. Review status: criteria provided, single submitter. Criteria: Natera Variant Classification Schema (03/2026). Collection method: clinical testing. Allele origin: germline.
Comment: The c.1022dup variant in SLC26A4 is a frameshift variant predicted to shift the reading frame beginning at codon 342 and leads to a stop codon 35 codons downstream. This variant is expected to result in nonsense mediated decay, truncation, or a dysfunctional protein product. This variant is rare in the general population with a frequency below the threshold expected for the associated phenotype(s). This variant has been observed in one or more individuals affected with the associated recessive disease, as either homozygous or compound heterozygous with a second variant (PMID: 25372295). Given the available evidence, this variant is classified as Pathogenic.

Baylor Genetics
Classification: Pathogenic for Autosomal recessive nonsyndromic hearing loss 4. Last evaluated: 2023-08-24. Review status: criteria provided, single submitter. Criteria: ACMG Guidelines, 2015. Collection method: clinical testing. Allele origin: unknown.

Literature cited by the submitters: PubMed 25372295 (cited by Natera, Inc.).